The following is an entry in ClinVar:

NM_000719.7(CACNA1C):c.2389G>A (p.Gly797Arg)

Gene: CACNA1C (calcium voltage-gated channel subunit alpha1 C; plus strand). Cytogenetic location: 12p13.33.
Variant type: single nucleotide variant.
Coding change: c.2389G>A on transcript NM_000719.7 (MANE Select); coding-DNA position 2389, G replaced by A.
Protein change: p.Gly797Arg; replaces glycine 797 with arginine.
Molecular consequence: missense variant.
Genome position (GRCh38, 1-based): chr12:2,585,425, G>A. VCF-style: chr12-2585425-G-A. GRCh37 (hg19) VCF-style: chr12-2694591-G-A.
Other names: c.2389G>A, p.Gly797Arg (NM_001129827.2, NM_001129829.2, NM_001129830.3 and 18 more transcripts); c.2380G>A, p.Gly794Arg (NM_001129844.2); short protein forms G794R, G797R.
Identifiers: ClinVar variation 958571 (VCV000958571.10), dbSNP rs2062048841, ClinGen allele CA383371713.

ClinVar aggregate classification (germline): Uncertain significance (1 of 4 stars; one submission).

Conditions:
Long QT syndrome (LQTS). Identifiers: MedGen C0023976, MeSH D008133, MONDO:0002442. Disease mechanism: loss of function. Inheritance: Various modes of inheritance.

Submission:

Labcorp Genetics (formerly Invitae), Labcorp
Classification: Uncertain significance for Long QT syndrome. Last evaluated: 2021-08-03. Review status: criteria provided, single submitter. Criteria: Invitae Variant Classification Sherloc (09022015). Collection method: clinical testing. Allele origin: germline.
Comment: This variant is not present in population databases (ExAC no frequency). This sequence change replaces glycine with arginine at codon 797 of the CACNA1C protein (p.Gly797Arg). The glycine residue is weakly conserved and there is a moderate physicochemical difference between glycine and arginine. In summary, the available evidence is currently insufficient to determine the role of this variant in disease. Therefore, it has been classified as a Variant of Uncertain Significance. Algorithms developed to predict the effect of missense changes on protein structure and function (SIFT, PolyPhen-2, Align-GVGD) all suggest that this variant is likely to be tolerated, but these predictions have not been confirmed by published functional studies and their clinical significance is uncertain. This variant has not been reported in the literature in individuals with CACNA1C-related disease.